The following is an entry in ClinVar:

NM_007294.4(BRCA1):c.186T>C (p.Pro62=)

Gene: BRCA1 (BRCA1 DNA repair associated; minus strand). Cytogenetic location: 17q21.31.
Variant type: single nucleotide variant.
Coding change: c.186T>C on transcript NM_007294.4 (MANE Select); coding-DNA position 186, T replaced by C.
Protein change: p.Pro62=; no amino-acid change (proline 62 retained).
Molecular consequence: synonymous variant. On other transcripts: 5 prime UTR variant (61), intron variant (34).
Genome position (GRCh38, 1-based): chr17:43,106,482, A>G on the plus strand (T>C on the coding strand, the complement: BRCA1 is on the minus strand). VCF-style: chr17-43106482-A-G. GRCh37 (hg19) VCF-style: chr17-41258499-A-G.
Other names: c.-3T>C (NM_001407571.1, NM_001407853.1, NM_001407879.1 and 58 more transcripts); c.186T>C, p.Pro62= (NM_001407581.1, NM_001407582.1, NM_001407583.1 and 168 more transcripts); c.45T>C, p.Pro15= (NM_001407692.1, NM_001407694.1, NM_001407695.1 and 99 more transcripts); c.-218-11622T>C (NM_001407967.1, NM_001407966.1); c.-169-1526T>C (NM_001407959.1, NM_001407962.1, NM_001408512.1 and 4 more transcripts); c.81-1526T>C (NM_001408451.1); c.135-1526T>C (NM_001408475.1, NM_001407875.1, NM_001407659.1 and 21 more transcripts).
Identifiers: ClinVar variation 865235 (VCV000865235.3), dbSNP rs2054778965, ClinGen allele CA500128125.

Conditions:
Breast-ovarian cancer, familial, susceptibility to, 1 (BROVCA1). Also called: BRCA1 Hereditary Breast and Ovarian Cancer; OVARIAN CANCER, SUSCEPTIBILITY TO. Identifiers: Orphanet 145, MedGen C2676676, MONDO:0011450, OMIM 604370. Disease mechanism: loss of function.

Submission:

Brotman Baty Institute, University of Washington
No classification provided (evidence only). Condition: Breast-ovarian cancer, familial 1. Review status: no classification provided. Collection method: in vitro. Allele origin: not applicable. Functional consequence: functionally_normal.
ClinVar note: "not provided" was previously submitted as the classification for the variant. However, the classification appeared to be based only on an observation of functional data so it was converted to no classification on 2025-07-30.